The following is an entry in ClinVar:

NM_004456.5(EZH2):c.1070G>A (p.Gly357Asp)

Gene: EZH2 (enhancer of zeste 2 polycomb repressive complex 2 subunit; minus strand). Cytogenetic location: 7q36.1.
Variant type: single nucleotide variant.
Coding change: c.1070G>A on transcript NM_004456.5 (MANE Select); coding-DNA position 1070, G replaced by A.
Protein change: p.Gly357Asp; replaces glycine 357 with aspartic acid.
Molecular consequence: missense variant.
Genome position (GRCh38, 1-based): chr7:148,818,047, C>T on the plus strand (G>A on the coding strand, the complement: EZH2 is on the minus strand). VCF-style: chr7-148818047-C-T. GRCh37 (hg19) VCF-style: chr7-148515139-C-T.
Other names: c.1055G>A, p.Gly352Asp (NM_001203247.2); c.1028G>A, p.Gly343Asp (NM_001203248.2, NM_001203249.2); c.938G>A, p.Gly313Asp (NM_152998.3); short protein forms G313D, G343D, G352D, G357D.
Identifiers: ClinVar variation 2506779 (VCV002506779.1), dbSNP rs2129471786, ClinGen allele CA369716834.

ClinVar aggregate classification (germline): Uncertain significance (1 of 4 stars; one submission).

Submission:

GeneDx
Classification: Uncertain significance. Last evaluated: 2023-06-09. Review status: criteria provided, single submitter. Criteria: GeneDx Variant Classification Process June 2021. Collection method: clinical testing. Allele origin: germline. Affected: yes.
Comment: Not observed in large population cohorts (gnomAD); In silico analysis supports that this missense variant does not alter protein structure/function; Has not been previously published as pathogenic or benign to our knowledge